The following is an entry in ClinVar:

NM_001844.5(COL2A1):c.502G>A (p.Gly168Ser)

Gene: COL2A1 (collagen type II alpha 1 chain; minus strand). Cytogenetic location: 12q13.11.
Variant type: single nucleotide variant.
Coding change: c.502G>A on transcript NM_001844.5 (MANE Select); coding-DNA position 502, G replaced by A.
Protein change: p.Gly168Ser; replaces glycine 168 with serine.
Molecular consequence: missense variant.
Genome position (GRCh38, 1-based): chr12:47,997,635, C>T on the plus strand (G>A on the coding strand, the complement: COL2A1 is on the minus strand). VCF-style: chr12-47997635-C-T. GRCh37 (hg19) VCF-style: chr12-48391418-C-T.
Other names: c.295G>A, p.Gly99Ser (NM_033150.3); short protein forms G168S, G99S.
Identifiers: ClinVar variation 3693452 (VCV003693452.5).
Genomic context (GRCh38, chr12:47,997,635, plus strand): 5'-GCCTGAAGGAATGGGAAGTAAGGATACTTACTCCACCAAGACCAGGGGGACCAGGGGGGC[C>T]GGGAGGACCAGGGGGGCCAGGATTTCCAGGGGTCCCAGGTTCTCCATCTCTGCCACGAGG-3'
Protein context (NP_001835.3, residues 158-178): PGNPGPPGPP[Gly168Ser]PPGPPGLGGN

ClinVar aggregate classification (germline): Uncertain significance. Review status: criteria provided, multiple submitters, no conflicts (2 of 4 stars). 3 submissions from 3 submitters: Uncertain significance (3). Last evaluated 2024-10-09.

Conditions:
Achondrogenesis type II (ACG2). Also called: ACHONDROGENESIS, LANGER-SALDINO TYPE; CHONDROGENESIS IMPERFECTA. Identifiers: Orphanet 932, Orphanet 93296, MedGen C0220685, MONDO:0008702, OMIM 200610.
Avascular necrosis of femoral head, primary, 1 (ANFH1). Also called: Avascular necrosis of femoral head, primary. Identifiers: Orphanet 86820, MedGen C4551562, MONDO:0054550, OMIM 608805.
Spondyloepimetaphyseal dysplasia, Strudwick type (SEMDSTWK). Also called: DAPPLED METAPHYSIS SYNDROME; STRUDWICK SYNDROME. Identifiers: Orphanet 93346, MedGen C0700635, MONDO:0008476, OMIM 184250.
Stickler syndrome, type I, nonsyndromic ocular. Also called: STICKLER SYNDROME, ATYPICAL; STICKLER SYNDROME, TYPE I, PREDOMINANTLY OCULAR. Identifiers: MedGen C1836080, MONDO:0012287, OMIM 609508.
Spondyloperipheral dysplasia. Also called: Spondyloperipheral dysplasia-short ulna syndrome; SPONDYLOPERIPHERAL DYSPLASIA WITH SHORT ULNA. Identifiers: Orphanet 1856, MedGen C0796173, MONDO:0010078, OMIM 271700.
Multiple epiphyseal dysplasia, Beighton type. Identifiers: Orphanet 166011, MedGen C1851536, MONDO:0007562, OMIM 132450.
Spondyloepiphyseal dysplasia with metatarsal shortening. Also called: CZECH DYSPLASIA, METATARSAL TYPE; SPONDYLOEPIPHYSEAL DYSPLASIA WITH PRECOCIOUS OSTEOARTHRITIS; Pseudorheumatoid dysplasia progressive, with hypoplastic toes. Identifiers: Orphanet 137678, MedGen C1836683, MONDO:0012206, OMIM 609162.
Legg-Calve-Perthes disease. Also called: Avascular necrosis of the capital femoral epiphysis; Osteochondritis deformans; Coxa plana; PERTHES DISEASE. Identifiers: Orphanet 2380, MedGen C1442965, MONDO:0007885, OMIM 150600, HP:0005743.
Kniest dysplasia. Identifiers: Orphanet 485, MedGen C0265279, MONDO:0007987, OMIM 156550.
Namaqualand hip dysplasia (OSCDP). Also called: Mild spondyloepiphyseal dysplasia due to COL2A1 mutation with early-onset osteoarthritis. Identifiers: Orphanet 93279, MedGen C0432214, MONDO:0011496, OMIM 604864.
Spondyloepiphyseal dysplasia, Stanescu type. Also called: SED, STANESCU TYPE; SPONDYLOEPIMETAPHYSEAL DYSPLASIA, STANESCU TYPE. Identifiers: Orphanet 459051, MedGen C4225273, MONDO:0014701, OMIM 616583.
Stickler syndrome type 1 (STL1). Also called: COL2A1-Related Stickler Syndrome; ARTHROOPHTHALMOPATHY, HEREDITARY PROGRESSIVE; STICKLER SYNDROME, MEMBRANOUS VITREOUS TYPE; STICKLER SYNDROME, VITREOUS TYPE 1. Identifiers: Orphanet 828, Orphanet 90653, MedGen C2020284, MONDO:0007160, OMIM 108300.
Platyspondylic dysplasia, Torrance type (PLSDT). Identifiers: Orphanet 85166, MedGen C1835437, MONDO:0007895, OMIM 151210.
Spondylometaphyseal dysplasia, Schmidt type (SMDALG). Also called: SPONDYLOMETAPHYSEAL DYSPLASIA, ALGERIAN TYPE; SPONDYLOMETAPHYSEAL DYSPLASIA WITH SEVERE GENU VALGUM. Identifiers: Orphanet 93316, MedGen C1866688, MONDO:0008478, OMIM 184253.
Spondyloepiphyseal dysplasia congenita (SEDC). Also called: SED CONGENITA; SPONDYLOEPIPHYSEAL DYSPLASIA, CONGENITAL TYPE. Identifiers: Orphanet 94068, MedGen C2745959, MONDO:0008471, OMIM 183900.
Vitreoretinopathy with phalangeal epiphyseal dysplasia (VPED). Identifiers: MedGen C1852989, MONDO:0031001, OMIM 619248.

gnomAD v4.1: 7 of 1,613,570 alleles (0.00043%); highest among the groups gnomAD compares: African/African-American, 0.0027%; no homozygotes.

Submissions (3):

Labcorp Genetics (formerly Invitae), Labcorp
Classification: Uncertain significance. Last evaluated: 2024-10-09. Review status: criteria provided, single submitter. Criteria: Invitae Variant Classification Sherloc (09022015). Collection method: clinical testing. Allele origin: germline.
Comment: This sequence change replaces glycine, which is neutral and non-polar, with serine, which is neutral and polar, at codon 168 of the COL2A1 protein (p.Gly168Ser). This variant is not present in population databases (gnomAD no frequency). This variant has not been reported in the literature in individuals affected with COL2A1-related conditions. Invitae Evidence Modeling of protein sequence and biophysical properties (such as structural, functional, and spatial information, amino acid conservation, physicochemical variation, residue mobility, and thermodynamic stability) indicates that this missense variant is expected to disrupt COL2A1 protein function with a positive predictive value of 95%. In summary, the available evidence is currently insufficient to determine the role of this variant in disease. Therefore, it has been classified as a Variant of Uncertain Significance.

3billion
Classification: Uncertain significance for Stickler syndrome, type I, nonsyndromic ocular. Last evaluated: 2023-09-25. Review status: criteria provided, single submitter. Criteria: ACMG Guidelines, 2015. Collection method: clinical testing. Allele origin: germline. Affected: yes.
Comment: The variant is not observed in the gnomAD v2.1.1 dataset. Predicted Consequence/Location: Missense changes are a common disease-causing mechanism. In silico tool predictions suggest damaging effect of the variant on gene or gene product [REVEL: 0.94 (>=0.6, sensitivity 0.68 and specificity 0.92); 3Cnet: 0.85 (>=0.6, sensitivity 0.72 and precision 0.9)]. Therefore, this variant is classified as VUS according to the recommendation of ACMG/AMP guideline.

Juno Genomics, Hangzhou Juno Genomics, Inc
Classification: Uncertain significance for Spondyloepiphyseal dysplasia, Stanescu type; Spondyloperipheral dysplasia; Stickler syndrome type 1; Stickler syndrome, type I, nonsyndromic ocular; Spondylometaphyseal dysplasia, Schmidt type; Multiple epiphyseal dysplasia, Beighton type; Vitreoretinopathy with phalangeal epiphyseal dysplasia; Achondrogenesis type II; Avascular necrosis of femoral head, primary, 1; Spondyloepiphyseal dysplasia with metatarsal shortening; Kniest dysplasia; Legg-Calve-Perthes disease; Namaqualand hip dysplasia; Platyspondylic dysplasia, Torrance type; Spondyloepiphyseal dysplasia congenita; Spondyloepimetaphyseal dysplasia, Strudwick type. Review status: criteria provided, single submitter. Criteria: ACMG Guidelines, 2015. Collection method: clinical testing. Allele origin: germline.
Comment: Absent from controls (or at extremely low frequency if recessive) in Genome Aggregation Database.;Missense variant in a gene that has a low rate of benign missense variation.;Multiple lines of computational evidence support a deleterious effect on the gene or gene product.